The following is an entry in ClinVar:

NM_001130438.3(SPTAN1):c.7316C>T (p.Thr2439Ile)

Gene: SPTAN1 (spectrin alpha, non-erythrocytic 1; plus strand). Cytogenetic location: 9q34.11.
Variant type: single nucleotide variant.
Coding change: c.7316C>T on transcript NM_001130438.3 (MANE Select); coding-DNA position 7316, C replaced by T.
Protein change: p.Thr2439Ile; replaces threonine 2439 with isoleucine.
Molecular consequence: missense variant.
Genome position (GRCh38, 1-based): chr9:128,633,216, C>T. VCF-style: chr9-128633216-C-T. GRCh37 (hg19) VCF-style: chr9-131395495-C-T.
Other names: c.7241C>T, p.Thr2414Ile (NM_001195532.2); c.7379C>T, p.Thr2460Ile (NM_001363759.2); c.7256C>T, p.Thr2419Ile (NM_001363765.2); c.7301C>T, p.Thr2434Ile (NM_003127.4); short protein forms T2439I, T2460I, T2419I, T2434I, T2414I.
Identifiers: ClinVar variation 624370 (VCV000624370.57), dbSNP rs746532292, ClinGen allele CA5266081.

ClinVar aggregate classification (germline): Conflicting classifications of pathogenicity. Review status: criteria provided, conflicting classifications (1 of 4 stars). 7 submissions from 7 submitters: Uncertain significance (4); Likely benign (3). Last evaluated 2025-08-24.

Conditions:
Inborn genetic diseases. Identifiers: MedGen C0950123, MeSH D030342.
Developmental and epileptic encephalopathy, 5 (DEE5). Identifiers: Orphanet 3451, MedGen C3150731, MONDO:0013277, OMIM 613477.
Early-infantile DEE. Also called: Early infantile epileptic encephalopathy; Ohtahara syndrome; Early infantile epileptic encephalopathy with suppression bursts. Identifiers: Orphanet 1934, MedGen C0393706, MONDO:0800491.

Allele frequency attached by ClinVar (database versions not stated): gnomAD 0.00002; TOPMed 0.00004.
gnomAD v4.1: 29 of 1,613,890 alleles (0.0018%); highest among the groups gnomAD compares: Middle Eastern, 0.099%; no homozygotes.

Submissions (7):

Ambry Genetics
Classification: Uncertain significance for Inborn genetic diseases. Last evaluated: 2025-08-24. Review status: criteria provided, single submitter. Criteria: Ambry Variant Classification Scheme 2023. Collection method: clinical testing. Allele origin: germline.

Labcorp Genetics (formerly Invitae), Labcorp
Classification: Likely benign for Early-infantile DEE. Last evaluated: 2025-06-18. Review status: criteria provided, single submitter. Criteria: Invitae Variant Classification Sherloc (09022015). Collection method: clinical testing. Allele origin: germline.

Revvity Omics, Revvity
Classification: Uncertain significance. Last evaluated: 2024-11-25. Review status: criteria provided, single submitter. Criteria: ACMG Guidelines, 2015. Collection method: clinical testing. Allele origin: germline.

CeGaT Center for Human Genetics Tuebingen
Classification: Uncertain significance. Last evaluated: 2024-11-01. Review status: criteria provided, single submitter. Criteria: CeGaT Center For Human Genetics Tuebingen Variant Classification Criteria Version 2. Collection method: clinical testing. Allele origin: germline. Affected: yes. Observed: 3 variant alleles.
Comment: SPTAN1: PM2

Blueprint Genetics
Classification: Likely benign. Last evaluated: 2024-03-22. Review status: criteria provided, single submitter. Criteria: ACMG Guidelines, 2015. Collection method: clinical testing. Allele origin: germline.

Genome-Nilou Lab
Classification: Likely benign for Developmental and epileptic encephalopathy, 5. Last evaluated: 2021-07-15. Review status: criteria provided, single submitter. Criteria: ACMG Guidelines, 2015. Collection method: clinical testing. Allele origin: germline. Affected: no.

Institute of Human Genetics, University of Leipzig Medical Center
Classification: Uncertain significance for Developmental and epileptic encephalopathy, 5. Last evaluated: 2017-05-15. Review status: criteria provided, single submitter. Criteria: ACMG Guidelines, 2015. Collection method: clinical testing. Allele origin: germline. Affected: yes. Observed: 1 variant allele.